The following is an entry in ClinVar:

ClinVar aggregate classification (germline): Uncertain significance (1 of 4 stars; one submission).

Submission:

Greenwood Genetic Center Diagnostic Laboratories, Greenwood Genetic Center
Classification: Uncertain significance. Last evaluated: 2022-01-20. Review status: criteria provided, single submitter. Criteria: ACMG Guidelines, 2015. Collection method: clinical testing. Allele origin: germline. Affected: yes.
Comment: PM2

NM_006579.3(EBP):c.437T>A (p.Leu146His)

Gene: EBP (EBP cholestenol delta-isomerase; plus strand). Cytogenetic location: Xp11.23.
Variant type: single nucleotide variant.
Coding change: c.437T>A on transcript NM_006579.3 (MANE Select); coding-DNA position 437, T replaced by A.
Protein change: p.Leu146His; replaces leucine 146 with histidine.
Molecular consequence: missense variant.
Genome position (GRCh38, 1-based): chrX:48,527,253, T>A. VCF-style: chrX-48527253-T-A. GRCh37 (hg19) VCF-style: chrX-48385641-T-A.
Other names: short protein forms L146H.
Identifiers: ClinVar variation 1676540 (VCV001676540.3), dbSNP rs2147156548, ClinGen allele CA412852612.